The following is an entry in ClinVar:

ClinVar aggregate classification (germline): Uncertain significance (1 of 4 stars; one submission).

Submission:

CeGaT Center for Human Genetics Tuebingen
Classification: Uncertain significance. Last evaluated: 2022-11-01. Review status: criteria provided, single submitter. Criteria: CeGaT Center For Human Genetics Tuebingen Variant Classification Criteria Version 2. Collection method: clinical testing. Allele origin: germline. Affected: yes. Observed: 1 variant allele.
Comment: ATP2C1: PM2, PP2

NM_001378687.1(ATP2C1):c.2338C>A (p.Leu780Ile)

Gene: ATP2C1 (ATPase secretory pathway Ca2+ transporting 1; plus strand). Cytogenetic location: 3q22.1.
Variant type: single nucleotide variant.
Coding change: c.2338C>A on transcript NM_001378687.1 (MANE Select); coding-DNA position 2338, C replaced by A.
Protein change: p.Leu780Ile; replaces leucine 780 with isoleucine.
Molecular consequence: missense variant.
Genome position (GRCh38, 1-based): chr3:130,997,700, C>A. VCF-style: chr3-130997700-C-A. GRCh37 (hg19) VCF-style: chr3-130716544-C-A.
Other names: c.2338C>A, p.Leu780Ile (NM_001001485.3, NM_001001486.2, NM_001001487.2 and 5 more transcripts); c.2440C>A, p.Leu814Ile (NM_001199180.2, NM_001199181.3, NM_001378511.1); c.2323C>A, p.Leu775Ile (NM_001199182.2); c.2290C>A, p.Leu764Ile (NM_001199183.2, NM_001199184.3, NM_001378514.1); short protein forms L764I, L775I, L780I, L814I.
Identifiers: ClinVar variation 1879592 (VCV001879592.29), dbSNP rs750387878, ClinGen allele CA354537188.